The following is an entry in ClinVar:

ClinVar aggregate classification (germline): Uncertain significance (1 of 4 stars; one submission).

Allele frequency attached by ClinVar (database versions not stated): gnomAD exomes below 0.00001; gnomAD 0.00001; TOPMed 0.00001.
gnomAD v4.1: 4 of 1,577,728 alleles (0.00025%); highest among the groups gnomAD compares: Non-Finnish European, 0.00034%; no homozygotes.

Submission:

Labcorp Genetics (formerly Invitae), Labcorp
Classification: Uncertain significance. Last evaluated: 2020-10-09. Review status: criteria provided, single submitter. Criteria: Invitae Variant Classification Sherloc (09022015). Collection method: clinical testing. Allele origin: germline.
Comment: In summary, the available evidence is currently insufficient to determine the role of this variant in disease. Therefore, it has been classified as a Variant of Uncertain Significance. Algorithms developed to predict the effect of missense changes on protein structure and function output the following: SIFT: "Tolerated"; PolyPhen-2: "Benign"; Align-GVGD: "Class C0". The serine amino acid residue is found in multiple mammalian species, suggesting that this missense change does not adversely affect protein function. These predictions have not been confirmed by published functional studies and their clinical significance is uncertain. This variant has not been reported in the literature in individuals with IMPG1-related conditions. This variant is not present in population databases (ExAC no frequency). This sequence change replaces arginine with serine at codon 224 of the IMPG1 protein (p.Arg224Ser). The arginine residue is weakly conserved and there is a moderate physicochemical difference between arginine and serine.

NM_001563.4(IMPG1):c.672A>T (p.Arg224Ser)

Gene: IMPG1 (interphotoreceptor matrix proteoglycan 1; minus strand). Cytogenetic location: 6q14.1.
Variant type: single nucleotide variant.
Coding change: c.672A>T on transcript NM_001563.4 (MANE Select); coding-DNA position 672, A replaced by T.
Protein change: p.Arg224Ser; replaces arginine 224 with serine.
Molecular consequence: missense variant.
Genome position (GRCh38, 1-based): chr6:76,018,853, T>A on the plus strand (A>T on the coding strand, the complement: IMPG1 is on the minus strand). VCF-style: chr6-76018853-T-A. GRCh37 (hg19) VCF-style: chr6-76728570-T-A.
Other names: c.438A>T, p.Arg146Ser (NM_001282368.2); short protein forms R224S, R146S.
Identifiers: ClinVar variation 1042478 (VCV001042478.8), dbSNP rs755520360, ClinGen allele CA364779077.
Genomic context (GRCh38, chr6:76,018,853, plus strand): 5'-GTTTACCAGAGAGACGCTGAGCTCCACCCTCTGCTCCTCCAACACAGCGAATTCTGTTTC[T>A]CTTTCCTGAGTTTAAAAAAAAAAAAAAGGACTTCTGTTAACCTAAACCACAAATAAATGG-3'
Protein context (NP_001554.2, residues 214-234): LNDTKMPTTE[Arg224Ser]ETEFAVLEEQ